The following is an entry in ClinVar:

ClinVar aggregate classification (germline): Uncertain significance (1 of 4 stars; one submission).

gnomAD v4.1: 11 of 1,614,064 alleles (0.00068%); highest among the groups gnomAD compares: Admixed American, 0.0033%; no homozygotes.

Submission:

Labcorp Genetics (formerly Invitae), Labcorp
Classification: Uncertain significance. Last evaluated: 2022-07-21. Review status: criteria provided, single submitter. Criteria: Invitae Variant Classification Sherloc (09022015). Collection method: clinical testing. Allele origin: germline.
Comment: In summary, the available evidence is currently insufficient to determine the role of this variant in disease. Therefore, it has been classified as a Variant of Uncertain Significance. Algorithms developed to predict the effect of missense changes on protein structure and function (SIFT, PolyPhen-2, Align-GVGD) all suggest that this variant is likely to be tolerated. This variant has not been reported in the literature in individuals affected with RTTN-related conditions. This variant is not present in population databases (gnomAD no frequency). This sequence change replaces leucine, which is neutral and non-polar, with valine, which is neutral and non-polar, at codon 2023 of the RTTN protein (p.Leu2023Val).

NM_173630.4(RTTN):c.6067C>G (p.Leu2023Val)

Gene: RTTN (rotatin; minus strand). Cytogenetic location: 18q22.2.
Variant type: single nucleotide variant.
Coding change: c.6067C>G on transcript NM_173630.4 (MANE Select); coding-DNA position 6067, C replaced by G.
Protein change: p.Leu2023Val; replaces leucine 2023 with valine.
Molecular consequence: missense variant.
Genome position (GRCh38, 1-based): chr18:70,020,701, G>C on the plus strand (C>G on the coding strand, the complement: RTTN is on the minus strand). VCF-style: chr18-70020701-G-C. GRCh37 (hg19) VCF-style: chr18-67687937-G-C.
Other names: c.3331C>G, p.Leu1111Val (NM_001318520.2); short protein forms L1111V, L2023V.
Identifiers: ClinVar variation 1988564 (VCV001988564.4), dbSNP rs971359981, ClinGen allele CA301921625.